The following is an entry in ClinVar:

ClinVar aggregate classification (germline): Likely benign (1 of 4 stars; one submission).

Submission:

CeGaT Center for Human Genetics Tuebingen
Classification: Likely benign. Last evaluated: 2026-02-01. Review status: criteria provided, single submitter. Criteria: CeGaT Center For Human Genetics Tuebingen Variant Classification Criteria Version 2. Collection method: clinical testing. Allele origin: germline. Affected: yes. Observed: 1 variant allele.
Comment: MYORG: PM2:Supporting, BP4, BP7

NM_020702.5(MYORG):c.1188C>T (p.Asn396=)

Gene: MYORG (myogenesis regulating glycosidase; minus strand). Cytogenetic location: 9p13.3.
Variant type: single nucleotide variant.
Coding change: c.1188C>T on transcript NM_020702.5 (MANE Select); coding-DNA position 1188, C replaced by T.
Protein change: p.Asn396=; no amino-acid change (asparagine 396 retained).
Molecular consequence: synonymous variant.
Genome position (GRCh38, 1-based): chr9:34,371,756, G>A on the plus strand (C>T on the coding strand, the complement: MYORG is on the minus strand). VCF-style: chr9-34371756-G-A. GRCh37 (hg19) VCF-style: chr9-34371754-G-A.
Identifiers: ClinVar variation 4823466 (VCV004823466.4).